The following is an entry in ClinVar:

NM_003482.4(KMT2D):c.6314G>T (p.Arg2105Leu)

Gene: KMT2D (lysine methyltransferase 2D; minus strand). Cytogenetic location: 12q13.12.
Variant type: single nucleotide variant.
Coding change: c.6314G>T on transcript NM_003482.4 (MANE Select); coding-DNA position 6314, G replaced by T.
Protein change: p.Arg2105Leu; replaces arginine 2105 with leucine.
Molecular consequence: missense variant.
Genome position (GRCh38, 1-based): chr12:49,041,456, C>A on the plus strand (G>T on the coding strand, the complement: KMT2D is on the minus strand). VCF-style: chr12-49041456-C-A. GRCh37 (hg19) VCF-style: chr12-49435239-C-A.
Other names: short protein forms R2105L.
Identifiers: ClinVar variation 2308534 (VCV002308534.3), dbSNP rs772506992, ClinGen allele CA384751363.

ClinVar aggregate classification (germline): Uncertain significance. Review status: criteria provided, multiple submitters, no conflicts (2 of 4 stars). 2 submissions from 2 submitters: Uncertain significance (2). Last evaluated 2024-02-28.

Conditions:
Choanal atresia-athelia-hypothyroidism-delayed puberty-short stature syndrome (BCAHH). Also called: BRANCHIAL ARCH ABNORMALITIES, CHOANAL ATRESIA, ATHELIA, HEARING LOSS, AND HYPOTHYROIDISM SYNDROME. Identifiers: Orphanet 589856, MedGen C5680310, MONDO:0035651, OMIM 620186.
Kabuki syndrome 1 (KABUK1). Also called: KMT2D-Related Kabuki Syndrome. Identifiers: Orphanet 2322, MedGen CN030661, MONDO:0007843, OMIM 147920.
Inborn genetic diseases. Identifiers: MedGen C0950123, MeSH D030342.

gnomAD v4.1: 2 of 1,613,082 alleles (0.00012%); highest among the groups gnomAD compares: South Asian, 0.0011%; no homozygotes.

Submissions (2):

Fulgent Genetics
Classification: Uncertain significance for Kabuki syndrome 1; Choanal atresia-athelia-hypothyroidism-delayed puberty-short stature syndrome. Last evaluated: 2024-02-28. Review status: criteria provided, single submitter. Criteria: ACMG Guidelines, 2015. Collection method: clinical testing. Allele origin: germline.

Ambry Genetics
Classification: Uncertain significance for Inborn genetic diseases. Last evaluated: 2022-09-19. Review status: criteria provided, single submitter. Criteria: Ambry Variant Classification Scheme 2023. Collection method: clinical testing. Allele origin: germline.
Comment: The c.6314G>T (p.R2105L) alteration is located in exon 31 (coding exon 31) of the KMT2D gene. This alteration results from a G to T substitution at nucleotide position 6314, causing the arginine (R) at amino acid position 2105 to be replaced by a leucine (L). This variant was not reported in population-based cohorts in the Genome Aggregation Database (gnomAD). This amino acid position is not well conserved in available vertebrate species. This alteration is predicted to be tolerated by in silico analysis. Based on insufficient or conflicting evidence, the clinical significance of this alteration remains unclear.